The following is an entry in ClinVar:

ClinVar aggregate classification (germline): Uncertain significance (1 of 4 stars; one submission).

Allele frequency attached by ClinVar (database versions not stated): gnomAD 0.00003; ExAC 0.00006.
gnomAD v4.1: 132 of 1,517,766 alleles (0.0087%); highest among the groups gnomAD compares: Non-Finnish European, 0.011%; no homozygotes.

Submission:

Labcorp Genetics (formerly Invitae), Labcorp
Classification: Uncertain significance. Last evaluated: 2026-01-08. Review status: criteria provided, single submitter. Criteria: Invitae Variant Classification Sherloc (09022015). Collection method: clinical testing. Allele origin: germline.
Comment: This sequence change replaces asparagine, which is neutral and polar, with lysine, which is basic and polar, at codon 40 of the PGAP3 protein (p.Asn40Lys). The frequency data for this variant in the population databases is considered unreliable, as metrics indicate poor data quality at this position in the gnomAD database. This variant has not been reported in the literature in individuals affected with PGAP3-related conditions. ClinVar contains an entry for this variant (Variation ID: 1982660). Invitae Evidence Modeling of protein sequence and biophysical properties (such as structural, functional, and spatial information, amino acid conservation, physicochemical variation, residue mobility, and thermodynamic stability) has been performed for this missense variant. However, the output from this modeling did not meet the statistical confidence thresholds required to predict the impact of this variant on PGAP3 protein function. In summary, the available evidence is currently insufficient to determine the role of this variant in disease. Therefore, it has been classified as a Variant of Uncertain Significance.

NM_033419.5(PGAP3):c.120C>A (p.Asn40Lys)

Gene: PGAP3 (post-GPI attachment to proteins phospholipase 3; minus strand). Cytogenetic location: 17q12.
Variant type: single nucleotide variant.
Coding change: c.120C>A on transcript NM_033419.5 (MANE Select); coding-DNA position 120, C replaced by A.
Protein change: p.Asn40Lys; replaces asparagine 40 with lysine.
Molecular consequence: missense variant.
Genome position (GRCh38, 1-based): chr17:39,687,895, G>T on the plus strand (C>A on the coding strand, the complement: PGAP3 is on the minus strand). VCF-style: chr17-39687895-G-T. GRCh37 (hg19) VCF-style: chr17-37844148-G-T.
Other names: c.120C>A, p.Asn40Lys (NM_001291726.2, NM_001291728.2, NM_001291730.2 and 2 more transcripts); short protein forms N40K.
Identifiers: ClinVar variation 1982660 (VCV001982660.4), dbSNP rs373850048, ClinGen allele CA8533479.
Genomic context (GRCh38, chr17:39,687,895, plus strand): 5'-TGCTAGACTCATGTAGATTGGCTGGCGGGAGCGGAAGTGATTCAGAGCGCCCCCAGAGCA[G>T]TTCTGCTCTTCGCACTGCAGTACGCAGTCGCGGTACACCGGCTCACGGTCGCCCTGGGAG-3'
Protein context (NP_219487.3, residues 30-50): RDCVLQCEEQ[Asn40Lys]CSGGALNHFR